The following is an entry in ClinVar:

NM_000222.3(KIT):c.611T>C (p.Val204Ala)

Gene: KIT (KIT proto-oncogene, receptor tyrosine kinase; plus strand). Cytogenetic location: 4q12.
Variant type: single nucleotide variant.
Coding change: c.611T>C on transcript NM_000222.3 (MANE Select); coding-DNA position 611, T replaced by C.
Protein change: p.Val204Ala; replaces valine 204 with alanine.
Molecular consequence: missense variant.
Genome position (GRCh38, 1-based): chr4:54,698,557, T>C. VCF-style: chr4-54698557-T-C. GRCh37 (hg19) VCF-style: chr4-55564723-T-C.
Other names: c.611T>C, p.Val204Ala (NM_001385285.1, NM_001385286.1, NM_001385288.1 and 4 more transcripts); short protein forms V204A.
Identifiers: ClinVar variation 4093167 (VCV004093167.1).

ClinVar aggregate classification (germline): Uncertain significance (1 of 4 stars; one submission).

Conditions:
Hereditary cancer-predisposing syndrome. Also called: Tumor predisposition; Neoplastic Syndromes, Hereditary; Hereditary neoplastic syndrome; Hereditary Cancer Syndrome. Identifiers: Orphanet 140162, MedGen C0027672, MeSH D009386, MONDO:0015356.

Submission:

Ambry Genetics
Classification: Uncertain significance for Hereditary cancer-predisposing syndrome. Last evaluated: 2025-07-19. Review status: criteria provided, single submitter. Criteria: Ambry Variant Classification Scheme 2023. Collection method: clinical testing. Allele origin: germline.
Comment: The p.V204A variant (also known as c.611T>C), located in coding exon 3 of the KIT gene, results from a T to C substitution at nucleotide position 611. The valine at codon 204 is replaced by alanine, an amino acid with similar properties. This amino acid position is conserved. In addition, the in silico prediction for this alteration is inconclusive. Based on the available evidence, the clinical significance of this variant remains unclear.